The following is an entry in ClinVar:

NM_001378120.1(MBD5):c.4432C>A (p.His1478Asn)

Gene: MBD5 (methyl-CpG binding domain protein 5; plus strand). Cytogenetic location: 2q23.1.
Variant type: single nucleotide variant.
Coding change: c.4432C>A on transcript NM_001378120.1 (MANE Select); coding-DNA position 4432, C replaced by A.
Protein change: p.His1478Asn; replaces histidine 1478 with asparagine.
Molecular consequence: missense variant.
Genome position (GRCh38, 1-based): chr2:148,490,064, C>A. VCF-style: chr2-148490064-C-A. GRCh37 (hg19) VCF-style: chr2-149247633-C-A.
Other names: c.4432C>A, p.His1478Asn (NM_001438854.1, NM_001438856.1, NM_001438857.1 and 1 more transcripts); c.3733C>A, p.His1245Asn (NM_001438855.1, NM_001438859.1, NM_001438860.1 and 3 more transcripts); short protein forms H1245N, H1478N.
Identifiers: ClinVar variation 4624441 (VCV004624441.2).

ClinVar aggregate classification (germline): Uncertain significance. Review status: criteria provided, multiple submitters, no conflicts (2 of 4 stars). 2 submissions from 2 submitters: Uncertain significance (2). Last evaluated 2025-09-22.

Conditions:
Inborn genetic diseases. Identifiers: MedGen C0950123, MeSH D030342.
MBD5-related disorder. Also called: MBD5-related condition.

gnomAD v4.1: 5 of 1,613,710 alleles (0.00031%); highest among the groups gnomAD compares: African/African-American, 0.0067%; no homozygotes.

Submissions (2):

Ambry Genetics
Classification: Uncertain significance for Inborn genetic diseases. Last evaluated: 2025-09-22. Review status: criteria provided, single submitter. Criteria: Ambry Variant Classification Scheme 2023. Collection method: clinical testing. Allele origin: germline.

PreventionGenetics, part of Exact Sciences
Classification: Uncertain significance for MBD5-related condition. Last evaluated: 2025-04-28. Review status: criteria provided, single submitter. Criteria: ACMG Guidelines, 2015. Collection method: clinical testing. Allele origin: germline.
Comment: The MBD5 c.3733C>A variant is predicted to result in the amino acid substitution p.His1245Asn. To our knowledge, this variant has not been reported in the literature or in a large population database (gnomAD), indicating this variant is rare. At this time, the clinical significance of this variant is uncertain due to the absence of conclusive functional and genetic evidence.